The following is an entry in ClinVar:

NM_006459.4(ERLIN1):c.689G>A (p.Arg230Gln)

Gene: ERLIN1 (ER lipid raft associated 1; minus strand). Cytogenetic location: 10q24.31.
Variant type: single nucleotide variant.
Coding change: c.689G>A on transcript NM_006459.4 (MANE Select); coding-DNA position 689, G replaced by A.
Protein change: p.Arg230Gln; replaces arginine 230 with glutamine.
Molecular consequence: missense variant. On other transcripts: non-coding transcript variant (6).
Genome position (GRCh38, 1-based): chr10:100,156,201, C>T on the plus strand (G>A on the coding strand, the complement: ERLIN1 is on the minus strand). VCF-style: chr10-100156201-C-T. GRCh37 (hg19) VCF-style: chr10-101915958-C-T.
Other names: c.689G>A, p.Arg230Gln (NM_001100626.2, NM_001347857.2, NM_001347859.2 and 2 more transcripts); c.437G>A, p.Arg146Gln (NM_001347856.2); c.209G>A, p.Arg70Gln (NM_001347858.2); short protein forms R230Q, R70Q, R146Q.
Identifiers: ClinVar variation 1500905 (VCV001500905.3), dbSNP rs943655200, ClinGen allele CA378152167.
Genomic context (GRCh38, chr10:100,156,201, plus strand): 5'-GTACCTTCGATTTCAGAAATGCGCTTTTCAGTTTCTTTTTCCATCACTTTCTGCTGAAAC[C>T]GAATTTTTGCCACTTGTGCAATCTTCTCTGCTTCTATAATCATACAACATAAGAAGACAC-3'
Protein context (NP_006450.2, residues 220-240): AEKIAQVAKI[Arg230Gln]FQQKVMEKET

ClinVar aggregate classification (germline): Uncertain significance (1 of 4 stars; one submission).

Conditions:
Hereditary spastic paraplegia 62. Also called: Spastic paraplegia 62, autosomal recessive. Identifiers: Orphanet 401785, MedGen C4284588, MONDO:0014302, OMIM 615681.

Allele frequency attached by ClinVar (database versions not stated): gnomAD 0.00001.
gnomAD v4.1: 5 of 1,613,038 alleles (0.00031%); highest among the groups gnomAD compares: Non-Finnish European, 0.00042%; no homozygotes.

Submission:

Labcorp Genetics (formerly Invitae), Labcorp
Classification: Uncertain significance for Hereditary spastic paraplegia 62. Last evaluated: 2021-07-31. Review status: criteria provided, single submitter. Criteria: Invitae Variant Classification Sherloc (09022015). Collection method: clinical testing. Allele origin: germline.
Comment: This sequence change replaces arginine with glutamine at codon 230 of the ERLIN1 protein (p.Arg230Gln). The arginine residue is moderately conserved and there is a small physicochemical difference between arginine and glutamine. This variant is not present in population databases (ExAC no frequency). This variant has not been reported in the literature in individuals affected with ERLIN1-related conditions. Algorithms developed to predict the effect of missense changes on protein structure and function output the following: SIFT: "Tolerated"; PolyPhen-2: "Benign"; Align-GVGD: "Class C0". The glutamine amino acid residue is found in multiple mammalian species, which suggests that this missense change does not adversely affect protein function. In summary, the available evidence is currently insufficient to determine the role of this variant in disease. Therefore, it has been classified as a Variant of Uncertain Significance.